The following is an entry in ClinVar:

ClinVar aggregate classification (germline): Likely pathogenic (0 of 4 stars; one submission).

Conditions:
SPTB-related disorder. Also called: SPTB-related condition; SPTB-Related Disorders.

Submission:

PreventionGenetics, part of Exact Sciences
Classification: Likely pathogenic for SPTB-related condition. Last evaluated: 2024-06-18. Review status: no assertion criteria provided. Collection method: clinical testing. Allele origin: germline.
Comment: The SPTB c.83_86dupACGA variant is predicted to result in a frameshift and premature protein termination (p.Leu30Argfs*4). To our knowledge, this variant has not been reported in the literature or in a large population database, indicating this variant is rare. Frameshift variants in SPTB are expected to be pathogenic. This variant is interpreted as likely pathogenic.

NM_001355436.2(SPTB):c.83_86dup (p.Leu30fs)

Gene: SPTB (spectrin beta, erythrocytic; minus strand). Cytogenetic location: 14q23.3.
Variant type: Duplication.
Coding change: c.83_86dup on transcript NM_001355436.2 (MANE Select); coding-DNA positions 83 to 86, 4 bases duplicated (ACGA; older notation c.83_86dupACGA).
Protein change: p.Leu30fs; shifts the reading frame from leucine 30.
Molecular consequence: frameshift variant.
Genome position (GRCh38, 1-based): chr14:64,823,009-64,823,012, TCGT duplicated on the plus strand (ACGA on the coding strand, the reverse complement: SPTB is on the minus strand). VCF-style (leftmost placement, unchanged base first): chr14-64823008-C-CTCGT. GRCh37 (hg19) VCF-style: chr14-65289726-C-CTCGT.
Other names: c.83_86dup, p.Leu30fs (NM_001024858.4, NM_001355437.2); short protein forms L30fs.
Identifiers: ClinVar variation 3351121 (VCV003351121.1).